The following is an entry in ClinVar:

NM_000026.4(ADSL):c.1026del (p.Glu343fs)

Gene: ADSL (adenylosuccinate lyase; plus strand). Cytogenetic location: 22q13.1.
Variant type: Deletion.
Coding change: c.1026del on transcript NM_000026.4 (MANE Select); coding-DNA position 1026, one base deleted (C; older notation c.1026delC).
Protein change: p.Glu343fs; shifts the reading frame from glutamic acid 343.
Molecular consequence: frameshift variant. On other transcripts: non-coding transcript variant (1).
Genome position (GRCh38, 1-based): chr22:40,362,996, C deleted; the last of 2 consecutive C bases (chr22:40,362,995-40,362,996); deleting either gives the same sequence. VCF-style (leftmost placement, unchanged base first): chr22-40362994-GC-G. GRCh37 (hg19) VCF-style: chr22-40758998-GC-G.
Other names: c.1026del, p.Glu343fs (NM_001123378.3, NM_001363840.3); c.834del, p.Glu279fs (NM_001317923.2); short protein forms E279fs, E343fs.
Identifiers: ClinVar variation 1070255 (VCV001070255.7), dbSNP rs2146667709, ClinGen allele CA2499226188.
Genomic context (GRCh38, chr22:40,362,994, plus strand): 5'-TGAAATTATTTGTTTAAAGACATACTGAATGGCTATTTGTTTTCTAGACGGATCTGTTTG[GC>G]CGAGGCATTTCTTACCGCAGATACTATATTGAATACGCTGCAGAACATTTCTGAAGGATT-3'

ClinVar aggregate classification (germline): Pathogenic (1 of 4 stars; one submission).

Conditions:
Adenylosuccinate lyase deficiency (ADSLD). Also called: ADSL DEFICIENCY. Identifiers: Orphanet 46, MedGen C0268126, MONDO:0007068, OMIM 103050.

Submission:

Labcorp Genetics (formerly Invitae), Labcorp
Classification: Pathogenic for Adenylosuccinate lyase deficiency. Last evaluated: 2022-06-20. Review status: criteria provided, single submitter. Criteria: Invitae Variant Classification Sherloc (09022015). Collection method: clinical testing. Allele origin: germline.
Comment: For these reasons, this variant has been classified as Pathogenic. ClinVar contains an entry for this variant (Variation ID: 1070255). This variant has not been reported in the literature in individuals affected with ADSL-related conditions. This variant is not present in population databases (gnomAD no frequency). This sequence change creates a premature translational stop signal (p.Glu343Argfs*10) in the ADSL gene. It is expected to result in an absent or disrupted protein product. Loss-of-function variants in ADSL are known to be pathogenic (PMID: 10888601, 20177786).

Literature cited by the submitters: PubMed 10888601; PubMed 20177786.